The following is an entry in ClinVar:

NM_152564.5(VPS13B):c.11259del (p.Thr3755fs)

Gene: VPS13B (vacuolar protein sorting 13 homolog B; plus strand). Cytogenetic location: 8q22.2.
Variant type: Deletion.
Coding change: c.11259del on transcript NM_152564.5 (MANE Select); coding-DNA position 11259, one base deleted (G; older notation c.11259delG).
Protein change: p.Thr3755fs; shifts the reading frame from threonine 3755.
Molecular consequence: frameshift variant.
Genome position (GRCh38, 1-based): chr8:99,868,332, G deleted. VCF-style (leftmost placement, unchanged base first): chr8-99868331-AG-A. GRCh37 (hg19) VCF-style: chr8-100880559-AG-A.
Other names: c.11334del, p.Thr3780fs (NM_017890.5); short protein forms T3780fs, T3755fs.
Identifiers: ClinVar variation 421615 (VCV000421615.2), dbSNP rs1064795251, ClinGen allele CA16618725.

ClinVar aggregate classification (germline): Likely pathogenic (1 of 4 stars; one submission).

Submission:

GeneDx
Classification: Likely pathogenic. Last evaluated: 2016-07-01. Review status: criteria provided, single submitter. Criteria: GeneDx Variant Classification (06012015). Collection method: clinical testing. Allele origin: germline. Affected: yes.
Comment: The c.11334delG variant in the VPS13B gene has not been reported previously as a pathogenic variant nor as a benign variant, to our knowledge. The c.11334delG variant causes a frameshift starting with codon Threonine 3780, changes this amino acid to a Histidine residue, and creates a premature Stop codon at position 98 of the new reading frame, denoted p.Thr3780HisfsX98. This variant is predicted to cause loss of normal protein function either through protein truncation or nonsense-mediated mRNA decay. The c.11334delG variant was not observed in approximately 6500 individuals of European and African American ancestry in the NHLBI Exome Sequencing Project, indicating it is not a common benign variant in these populations. The c.11334delG variant is a strong candidate for a pathogenic variant, however the possibility it may be a rare benign variant cannot be excluded.